The following is an entry in ClinVar:

NM_174916.3(UBR1):c.1911T>A (p.Phe637Leu)

Gene: UBR1 (ubiquitin protein ligase E3 component n-recognin 1; minus strand). Cytogenetic location: 15q15.2.
Variant type: single nucleotide variant.
Coding change: c.1911T>A on transcript NM_174916.3 (MANE Select); coding-DNA position 1911, T replaced by A.
Protein change: p.Phe637Leu; replaces phenylalanine 637 with leucine.
Molecular consequence: missense variant.
Genome position (GRCh38, 1-based): chr15:43,038,171, A>T on the plus strand (T>A on the coding strand, the complement: UBR1 is on the minus strand). VCF-style: chr15-43038171-A-T. GRCh37 (hg19) VCF-style: chr15-43330369-A-T.
Other names: short protein forms F637L.
Identifiers: ClinVar variation 2289331 (VCV002289331.2), dbSNP rs200515587, ClinGen allele CA7518623.
Genomic context (GRCh38, chr15:43,038,171, plus strand): 5'-CAACCAAGAGATATTCAGAAACAGAATATAAGCAAATCAATACTTAGTAGAATCACTTAC[A>T]AAAGACACAAATTCATGCAGTCTTGAAACAGCACCCAGCCTGCTTAAACGTACATGAAGA-3'
Protein context (NP_777576.1, residues 627-647): AVSRLHEFVS[Phe637Leu]EDFQVEVLVE

ClinVar aggregate classification (germline): Uncertain significance (1 of 4 stars; one submission).

Conditions:
Inborn genetic diseases. Identifiers: MedGen C0950123, MeSH D030342.

Allele frequency attached by ClinVar (database versions not stated): TOPMed below 0.00001; ExAC 0.00001; gnomAD 0.00001; ESP Exome Variant Server 0.00008.
gnomAD v4.1: 6 of 1,613,946 alleles (0.00037%); highest among the groups gnomAD compares: Non-Finnish European, 0.00051%; no homozygotes.

Submission:

Ambry Genetics
Classification: Uncertain significance for Inborn genetic diseases. Last evaluated: 2022-07-08. Review status: criteria provided, single submitter. Criteria: Ambry Variant Classification Scheme 2023. Collection method: clinical testing. Allele origin: germline.
Comment: Occurs in the last base pair of the exon Based on insufficient or conflicting evidence, the clinical significance of this alteration remains unclear.